The following is an entry in ClinVar:

NM_005422.4(TECTA):c.1573G>A (p.Gly525Ser)

Genes: TBCEL-TECTA (TBCEL-TECTA readthrough; plus strand), TECTA (tectorin alpha; plus strand). Cytogenetic location: 11q23.3.
Variant type: single nucleotide variant.
Coding change: c.1573G>A on transcript NM_005422.4 (MANE Select); coding-DNA position 1573, G replaced by A.
Protein change: p.Gly525Ser; replaces glycine 525 with serine.
Molecular consequence: missense variant.
Genome position (GRCh38, 1-based): chr11:121,125,671, G>A. VCF-style: chr11-121125671-G-A. GRCh37 (hg19) VCF-style: chr11-120996380-G-A.
Other names: c.2530G>A, p.Gly844Ser (NM_001378761.1); short protein forms G525S, G844S.
Identifiers: ClinVar variation 3901505 (VCV003901505.1).

ClinVar aggregate classification (germline): Uncertain significance (1 of 4 stars; one submission).

gnomAD v4.1: 29 of 1,610,274 alleles (0.0018%); highest among the groups gnomAD compares: Middle Eastern, 0.049%; no homozygotes.

Submission:

GeneDx
Classification: Uncertain significance. Last evaluated: 2024-12-03. Review status: criteria provided, single submitter. Criteria: GeneDx Variant Classification Process June 2021. Collection method: clinical testing. Allele origin: germline. Affected: yes.
Comment: In silico analysis supports that this missense variant has a deleterious effect on protein structure/function; Has not been previously published as pathogenic or benign to our knowledge; This variant is associated with the following publications: (PMID: 21520338, 31554319, 9590290)